The following is an entry in ClinVar:

ClinVar aggregate classification (germline): Uncertain significance (1 of 4 stars; one submission).

Conditions:
Martsolf syndrome (MARTS). Also called: Congenital cataract with intellectual disability and hypogonadotropic hypogonadism syndrome. Identifiers: Orphanet 1387, MedGen C0796037, MONDO:0023910.
Warburg micro syndrome 2 (WARBM2). Also called: MICRO SYNDROME 2. Identifiers: Orphanet 2510, MedGen C3280214, MONDO:0013641, OMIM 614225.

Allele frequency attached by ClinVar (database versions not stated): gnomAD exomes below 0.00001.

Submission:

Labcorp Genetics (formerly Invitae), Labcorp
Classification: Uncertain significance for Martsolf syndrome; Warburg micro syndrome 2. Last evaluated: 2022-09-07. Review status: criteria provided, single submitter. Criteria: Invitae Variant Classification Sherloc (09022015). Collection method: clinical testing. Allele origin: germline.
Comment: This sequence change replaces methionine, which is neutral and non-polar, with isoleucine, which is neutral and non-polar, at codon 1096 of the RAB3GAP2 protein (p.Met1096Ile). This variant is not present in population databases (gnomAD no frequency). This variant has not been reported in the literature in individuals affected with RAB3GAP2-related conditions. Algorithms developed to predict the effect of missense changes on protein structure and function (SIFT, PolyPhen-2, Align-GVGD) all suggest that this variant is likely to be tolerated. In summary, the available evidence is currently insufficient to determine the role of this variant in disease. Therefore, it has been classified as a Variant of Uncertain Significance.

NM_012414.4(RAB3GAP2):c.3288G>A (p.Met1096Ile)

Gene: RAB3GAP2 (RAB3 GTPase activating non-catalytic protein subunit 2; minus strand). Cytogenetic location: 1q41.
Variant type: single nucleotide variant.
Coding change: c.3288G>A on transcript NM_012414.4 (MANE Select); coding-DNA position 3288, G replaced by A.
Protein change: p.Met1096Ile; replaces methionine 1096 with isoleucine.
Molecular consequence: missense variant.
Genome position (GRCh38, 1-based): chr1:220,157,850, C>T on the plus strand (G>A on the coding strand, the complement: RAB3GAP2 is on the minus strand). VCF-style: chr1-220157850-C-T. GRCh37 (hg19) VCF-style: chr1-220331192-C-T.
Other names: short protein forms M1096I.
Identifiers: ClinVar variation 1960942 (VCV001960942.2), dbSNP rs2528616116, ClinGen allele CA344630699.